The following is an entry in ClinVar:

ClinVar aggregate classification (germline): Uncertain significance (1 of 4 stars; one submission).

Conditions:
Hereditary cancer-predisposing syndrome. Also called: Neoplastic Syndromes, Hereditary; Hereditary Cancer Syndrome; Hereditary neoplastic syndrome; Tumor predisposition. Identifiers: Orphanet 140162, MedGen C0027672, MeSH D009386, MONDO:0015356.

Submission:

Ambry Genetics
Classification: Uncertain significance for Hereditary cancer-predisposing syndrome. Last evaluated: 2021-04-29. Review status: criteria provided, single submitter. Criteria: Ambry Variant Classification Scheme 2023. Collection method: clinical testing. Allele origin: germline.
Comment: The p.V162M variant (also known as c.484G>A), located in coding exon 6 of the BRCA1 gene, results from a G to A substitution at nucleotide position 484. The valine at codon 162 is replaced by methionine, an amino acid with highly similar properties. This amino acid position is well conserved in available vertebrate species. In addition, the in silico prediction for this alteration is inconclusive. Since supporting evidence is limited at this time, the clinical significance of this alteration remains unclear.

NM_007294.4(BRCA1):c.484G>A (p.Val162Met)

Gene: BRCA1 (BRCA1 DNA repair associated; minus strand). Cytogenetic location: 17q21.31.
Variant type: single nucleotide variant.
Coding change: c.484G>A on transcript NM_007294.4 (MANE Select); coding-DNA position 484, G replaced by A.
Protein change: p.Val162Met; replaces valine 162 with methionine.
Molecular consequence: missense variant. On other transcripts: non-coding transcript variant (1).
Genome position (GRCh38, 1-based): chr17:43,099,838, C>T on the plus strand (G>A on the coding strand, the complement: BRCA1 is on the minus strand). VCF-style: chr17-43099838-C-T. GRCh37 (hg19) VCF-style: chr17-41251855-C-T.
Other names: c.484G>A, p.Val162Met (NM_001407977.1, NM_001407978.1, NM_001407979.1 and 97 more transcripts); c.481G>A, p.Val161Met (NM_001407986.1, NM_001407984.1, NM_001407985.1 and 65 more transcripts); c.340G>A, p.Val114Met (NM_001407848.1, NM_001407849.1, NM_001407930.1 and 35 more transcripts); c.343G>A, p.Val115Met (NM_001407850.1, NM_001407851.1, NM_001407852.1 and 61 more transcripts); c.271G>A, p.Val91Met (NM_001407853.1, NM_001407894.1, NM_001407895.1 and 18 more transcripts); c.406G>A, p.Val136Met (NM_001407862.1, NM_001408409.1, NM_001408411.1 and 12 more transcripts); c.403G>A, p.Val135Met (NM_001407874.1, NM_001407875.1, NM_001408413.1 and 6 more transcripts); c.274G>A, p.Val92Met (NM_001407879.1, NM_001407881.1, NM_001407882.1 and 37 more transcripts); and 4 more; short protein forms V162M, V115M, V34M, V35M, V136M, V159M, V161M, V91M.
Identifiers: ClinVar variation 479271 (VCV000479271.6), dbSNP rs55816927, ClinGen allele CA10601173.